The following is an entry in ClinVar:

NM_001130144.3(LTBP3):c.1078G>A (p.Ala360Thr)

Gene: LTBP3 (latent transforming growth factor beta binding protein 3; minus strand). Cytogenetic location: 11q13.1.
Variant type: single nucleotide variant.
Coding change: c.1078G>A on transcript NM_001130144.3 (MANE Select); coding-DNA position 1078, G replaced by A.
Protein change: p.Ala360Thr; replaces alanine 360 with threonine.
Molecular consequence: missense variant.
Genome position (GRCh38, 1-based): chr11:65,552,968, C>T on the plus strand (G>A on the coding strand, the complement: LTBP3 is on the minus strand). VCF-style: chr11-65552968-C-T. GRCh37 (hg19) VCF-style: chr11-65320439-C-T.
Other names: c.727G>A, p.Ala243Thr (NM_001164266.1); c.1078G>A, p.Ala360Thr (NM_021070.4); short protein forms A243T, A360T.
Identifiers: ClinVar variation 1785454 (VCV001785454.5), dbSNP rs150757997, ClinGen allele CA6101070.

ClinVar aggregate classification (germline): Uncertain significance. Review status: criteria provided, multiple submitters, no conflicts (2 of 4 stars). 2 submissions from 2 submitters: Uncertain significance (2). Last evaluated 2025-08-27.

Conditions:
Inborn genetic diseases. Identifiers: MedGen C0950123, MeSH D030342.
Brachyolmia-amelogenesis imperfecta syndrome. Also called: Tooth agenesis, selective, 6; Dental anomalies and short stature; PLATYSPONDYLY WITH AMELOGENESIS IMPERFECTA. Identifiers: Orphanet 2899, MedGen C1832594, MONDO:0011018, OMIM 601216. Disease mechanism: loss of function.

Allele frequency attached by ClinVar (database versions not stated): ExAC 0.00002; gnomAD 0.00001; ESP Exome Variant Server 0.00008; gnomAD exomes 0.00001; TOPMed 0.00001.

Submissions (2):

Ambry Genetics
Classification: Uncertain significance for Inborn genetic diseases. Last evaluated: 2025-08-27. Review status: criteria provided, single submitter. Criteria: Ambry Variant Classification Scheme 2023. Collection method: clinical testing. Allele origin: germline.

Labcorp Genetics (formerly Invitae), Labcorp
Classification: Uncertain significance for Brachyolmia-amelogenesis imperfecta syndrome. Last evaluated: 2025-06-29. Review status: criteria provided, single submitter. Criteria: Invitae Variant Classification Sherloc (09022015). Collection method: clinical testing. Allele origin: germline.
Comment: This sequence change replaces alanine, which is neutral and non-polar, with threonine, which is neutral and polar, at codon 360 of the LTBP3 protein (p.Ala360Thr). This variant is present in population databases (rs150757997, gnomAD 0.003%). This variant has not been reported in the literature in individuals affected with LTBP3-related conditions. ClinVar contains an entry for this variant (Variation ID: 1785454). An algorithm developed to predict the effect of missense changes on protein structure and function outputs the following: PolyPhen-2: "Benign". The threonine amino acid residue is found in multiple mammalian species, which suggests that this missense change does not adversely affect protein function. In summary, the available evidence is currently insufficient to determine the role of this variant in disease. Therefore, it has been classified as a Variant of Uncertain Significance.